The following is an entry in ClinVar:

NM_017934.7(PHIP):c.190G>A (p.Val64Met)

Gene: PHIP (PHIP subunit of CUL4-Ring ligase complex; minus strand). Cytogenetic location: 6q14.1.
Variant type: single nucleotide variant.
Coding change: c.190G>A on transcript NM_017934.7 (MANE Select); coding-DNA position 190, G replaced by A.
Protein change: p.Val64Met; replaces valine 64 with methionine.
Molecular consequence: missense variant.
Genome position (GRCh38, 1-based): chr6:79,060,818, C>T on the plus strand (G>A on the coding strand, the complement: PHIP is on the minus strand). VCF-style: chr6-79060818-C-T. GRCh37 (hg19) VCF-style: chr6-79770535-C-T.
Other names: short protein forms V64M.
Identifiers: ClinVar variation 2845919 (VCV002845919.3), dbSNP rs749959782, ClinGen allele CA364651507.

ClinVar aggregate classification (germline): Uncertain significance (1 of 4 stars; one submission).

Submission:

Labcorp Genetics (formerly Invitae), Labcorp
Classification: Uncertain significance. Last evaluated: 2023-03-14. Review status: criteria provided, single submitter. Criteria: Invitae Variant Classification Sherloc (09022015). Collection method: clinical testing. Allele origin: germline.
Comment: In summary, the available evidence is currently insufficient to determine the role of this variant in disease. Therefore, it has been classified as a Variant of Uncertain Significance. Experimental studies and prediction algorithms are not available or were not evaluated, and the functional significance of this variant is currently unknown. This variant has not been reported in the literature in individuals affected with PHIP-related conditions. This variant is not present in population databases (gnomAD no frequency). This sequence change replaces valine, which is neutral and non-polar, with methionine, which is neutral and non-polar, at codon 64 of the PHIP protein (p.Val64Met).